The following is an entry in ClinVar:

NM_001042492.3(NF1):c.5180C>G (p.Pro1727Arg)

Gene: NF1 (neurofibromin 1; plus strand). Cytogenetic location: 17q11.2.
Variant type: single nucleotide variant.
Coding change: c.5180C>G on transcript NM_001042492.3 (MANE Select); coding-DNA position 5180, C replaced by G.
Protein change: p.Pro1727Arg; replaces proline 1727 with arginine.
Molecular consequence: missense variant.
Genome position (GRCh38, 1-based): chr17:31,326,164, C>G. VCF-style: chr17-31326164-C-G. GRCh37 (hg19) VCF-style: chr17-29653182-C-G.
Other names: c.5117C>G, p.Pro1706Arg (NM_000267.4); short protein forms P1706R, P1727R.
Identifiers: ClinVar variation 948364 (VCV000948364.10), dbSNP rs2069336255, ClinGen allele CA399007968.
Genomic context (GRCh38, chr17:31,326,164, plus strand): 5'-TTTTCATAGACTGTCCTGGGAAACTGGCTGAGCACATAGAGCATGAACAACAGAAACTAC[C>G]TGCTGCCACCTTGGCTTTAGAAGAGGACCTGAAGGTATTCCACAATGCTCTCAAGCTAGC-3'
Protein context (NP_001035957.1, residues 1717-1737): EHIEHEQQKL[Pro1727Arg]AATLALEEDL

ClinVar aggregate classification (germline): Uncertain significance. Review status: criteria provided, multiple submitters, no conflicts (2 of 4 stars). 4 submissions from 4 submitters: Uncertain significance (4). Last evaluated 2026-08-03.

Conditions:
Hereditary cancer-predisposing syndrome. Also called: Neoplastic Syndromes, Hereditary; Hereditary Cancer Syndrome; Tumor predisposition; Hereditary neoplastic syndrome. Identifiers: Orphanet 140162, MedGen C0027672, MeSH D009386, MONDO:0015356.
Cardiovascular phenotype. Identifiers: MedGen CN230736.
Neurofibromatosis, type 1 (NF1). Also called: Peripheral type neurofibromatosis; VON RECKLINGHAUSEN DISEASE; Neurofibromatosis, type I; NEUROFIBROMATOSIS, TYPE I, SOMATIC. Identifiers: Orphanet 636, MedGen C0027831, MONDO:0018975, OMIM 162200. Disease mechanism: loss of function.

Submissions (4):

Ambry Genetics
Classification: Uncertain significance for Cardiovascular phenotype; Hereditary cancer-predisposing syndrome. Last evaluated: 2026-08-03. Review status: criteria provided, single submitter. Criteria: Ambry Variant Classification Scheme 2023. Collection method: clinical testing. Allele origin: germline.
Comment: The p.P1706R variant (also known as c.5117C>G), located in coding exon 36 of the NF1 gene, results from a C to G substitution at nucleotide position 5117. The proline at codon 1706 is replaced by arginine, an amino acid with dissimilar properties. This amino acid position is highly conserved in available vertebrate species. In addition, this alteration is predicted to be deleterious by in silico analysis. Based on the available evidence, the clinical significance of this variant remains unclear.

Labcorp Genetics (formerly Invitae), Labcorp
Classification: Uncertain significance for Neurofibromatosis, type 1. Last evaluated: 2025-11-25. Review status: criteria provided, single submitter. Criteria: Invitae Variant Classification Sherloc (09022015). Collection method: clinical testing. Allele origin: germline.
Comment: This sequence change replaces proline, which is neutral and non-polar, with arginine, which is basic and polar, at codon 1706 of the NF1 protein (p.Pro1706Arg). This variant is not present in population databases (gnomAD no frequency). This variant has not been reported in the literature in individuals affected with NF1-related conditions. ClinVar contains an entry for this variant (Variation ID: 948364). Invitae Evidence Modeling of protein sequence and biophysical properties (such as structural, functional, and spatial information, amino acid conservation, physicochemical variation, residue mobility, and thermodynamic stability) indicates that this missense variant is expected to disrupt NF1 protein function with a positive predictive value of 95%. In summary, the available evidence is currently insufficient to determine the role of this variant in disease. Therefore, it has been classified as a Variant of Uncertain Significance.

Genome-Nilou Lab
Classification: Uncertain significance for Neurofibromatosis, type 1. Last evaluated: 2022-03-15. Review status: criteria provided, single submitter. Criteria: ACMG Guidelines, 2015. Collection method: clinical testing. Allele origin: germline. Affected: no.

GeneDx
Classification: Uncertain significance. Last evaluated: 2020-10-16. Review status: criteria provided, single submitter. Criteria: GeneDx Variant Classification Process June 2021. Collection method: clinical testing. Allele origin: germline. Affected: yes.
Comment: Not observed in large population cohorts (Lek 2016); In silico analysis supports that this missense variant has a deleterious effect on protein structure/function; Has not been previously published as pathogenic or benign to our knowledge; This variant is associated with the following publications: (PMID: 24150215)